The following is an entry in ClinVar:

NM_002246.3(KCNK3):c.973A>C (p.Ile325Leu)

Gene: KCNK3 (potassium two pore domain channel subfamily K member 3; plus strand). Cytogenetic location: 2p23.3.
Variant type: single nucleotide variant.
Coding change: c.973A>C on transcript NM_002246.3 (MANE Select); coding-DNA position 973, A replaced by C.
Protein change: p.Ile325Leu; replaces isoleucine 325 with leucine.
Molecular consequence: missense variant.
Genome position (GRCh38, 1-based): chr2:26,728,356, A>C. VCF-style: chr2-26728356-A-C. GRCh37 (hg19) VCF-style: chr2-26951224-A-C.
Other names: short protein forms I325L.
Identifiers: ClinVar variation 2895465 (VCV002895465.3), dbSNP rs746830880, ClinGen allele CA1565579.

ClinVar aggregate classification (germline): Uncertain significance (1 of 4 stars; one submission).

Conditions:
Pulmonary hypertension, primary, 4. Identifiers: Orphanet 422, MedGen C3809198, MONDO:0014136, OMIM 615344.

gnomAD v4.1: 4 of 1,607,042 alleles (0.00025%); highest among the groups gnomAD compares: African/African-American, 0.0027%; no homozygotes.

Submission:

Labcorp Genetics (formerly Invitae), Labcorp
Classification: Uncertain significance for Pulmonary hypertension, primary, 4. Last evaluated: 2023-11-22. Review status: criteria provided, single submitter. Criteria: Invitae Variant Classification Sherloc (09022015). Collection method: clinical testing. Allele origin: germline.
Comment: This sequence change replaces isoleucine, which is neutral and non-polar, with leucine, which is neutral and non-polar, at codon 325 of the KCNK3 protein (p.Ile325Leu). This variant is present in population databases (rs746830880, gnomAD 0.008%). This variant has not been reported in the literature in individuals affected with KCNK3-related conditions. An algorithm developed to predict the effect of missense changes on protein structure and function (PolyPhen-2) suggests that this variant is likely to be tolerated. In summary, the available evidence is currently insufficient to determine the role of this variant in disease. Therefore, it has been classified as a Variant of Uncertain Significance.